The following is an entry in ClinVar:

ClinVar aggregate classification (germline): Likely benign (0 of 4 stars; one submission).

Conditions:
ESPL1-related disorder. Also called: ESPL1-related condition.

Allele frequency attached by ClinVar (database versions not stated): gnomAD 0.00001; gnomAD exomes 0.00001; TOPMed 0.00001; ExAC 0.00002.

Submission:

PreventionGenetics, part of Exact Sciences
Classification: Likely benign for ESPL1-related condition. Last evaluated: 2019-09-03. Review status: no assertion criteria provided. Collection method: clinical testing. Allele origin: germline.
Comment: This variant is classified as likely benign based on ACMG/AMP sequence variant interpretation guidelines (Richards et al. 2015 PMID: 25741868, with internal and published modifications).

NM_012291.5(ESPL1):c.3894A>G (p.Leu1298=)

Gene: ESPL1 (extra spindle pole bodies like 1, separase; plus strand). Cytogenetic location: 12q13.13.
Variant type: single nucleotide variant.
Coding change: c.3894A>G on transcript NM_012291.5 (MANE Select); coding-DNA position 3894, A replaced by G.
Protein change: p.Leu1298=; no amino-acid change (leucine 1298 retained).
Molecular consequence: synonymous variant.
Genome position (GRCh38, 1-based): chr12:53,286,630, A>G. VCF-style: chr12-53286630-A-G. GRCh37 (hg19) VCF-style: chr12-53680414-A-G.
Identifiers: ClinVar variation 3053220 (VCV003053220.2), dbSNP rs760987530, ClinGen allele CA6597561.